The following is an entry in ClinVar:

NM_004977.3(KCNC3):c.1557C>T (p.Val519=)

Gene: KCNC3 (potassium voltage-gated channel subfamily C member 3; minus strand). Cytogenetic location: 19q13.33.
Variant type: single nucleotide variant.
Coding change: c.1557C>T on transcript NM_004977.3 (MANE Select); coding-DNA position 1557, C replaced by T.
Protein change: p.Val519=; no amino-acid change (valine 519 retained).
Molecular consequence: synonymous variant.
Genome position (GRCh38, 1-based): chr19:50,323,396, G>A on the plus strand (C>T on the coding strand, the complement: KCNC3 is on the minus strand). VCF-style: chr19-50323396-G-A. GRCh37 (hg19) VCF-style: chr19-50826653-G-A.
Other names: c.1329C>T, p.Val443= (NM_001372305.1); c.1557C>T (NM_004977.2).
Identifiers: ClinVar variation 1630255 (VCV001630255.11), dbSNP rs200349179, ClinGen allele CA9594219.
Genomic context (GRCh38, chr19:50,323,396, plus strand): 5'-GACAATGACGGGCACAGGCATGGCGATGGTCAGCACCCCCGCCAGGGCACACAGCGCCCC[G>A]ACCAGCATCCCCGACCACGTCTTGGGGTACATGTCTCCATAGCCCAGGGTCGTCATGGTG-3'
Protein context (NP_004968.2, residues 509-529): MYPKTWSGML[Val519=]GALCALAGVL

ClinVar aggregate classification (germline): Benign/Likely benign. Review status: criteria provided, multiple submitters, no conflicts (2 of 4 stars). 3 submissions from 3 submitters: Benign (1); Likely benign (1). 1 of the submissions does not count toward it. Last evaluated 2023-10-19.

Conditions:
KCNC3-related disorder. Also called: KCNC3-related condition.

Allele frequency attached by ClinVar (database versions not stated): gnomAD exomes 0.00005; ESP Exome Variant Server 0.00008.
gnomAD v4.1: 89 of 1,614,040 alleles (0.0055%); highest among the groups gnomAD compares: East Asian, 0.0067%; no homozygotes.

Submissions (3):

Athena Diagnostics
Classification: Benign. Last evaluated: 2023-10-19. Review status: criteria provided, single submitter. Criteria: Athena Diagnostics Criteria. Collection method: clinical testing. Allele origin: unknown.

Labcorp Genetics (formerly Invitae), Labcorp
Classification: Likely benign. Last evaluated: 2023-04-07. Review status: criteria provided, single submitter. Criteria: Invitae Variant Classification Sherloc (09022015). Collection method: clinical testing. Allele origin: germline.

PreventionGenetics, part of Exact Sciences
Classification: Likely benign for KCNC3-related condition. Last evaluated: 2019-05-29. Review status: no assertion criteria provided. Collection method: clinical testing. Allele origin: germline. Not counted in ClinVar's aggregate classification.
Comment: This variant is classified as likely benign based on ACMG/AMP sequence variant interpretation guidelines (Richards et al. 2015 PMID: 25741868, with internal and published modifications).